The following is an entry in ClinVar:

NM_177438.3(DICER1):c.1940C>T (p.Thr647Ile)

Gene: DICER1 (dicer 1, ribonuclease III; minus strand). Cytogenetic location: 14q32.13.
Variant type: single nucleotide variant.
Coding change: c.1940C>T on transcript NM_177438.3 (MANE Select); coding-DNA position 1940, C replaced by T.
Protein change: p.Thr647Ile; replaces threonine 647 with isoleucine.
Molecular consequence: missense variant.
Genome position (GRCh38, 1-based): chr14:95,113,192, G>A on the plus strand (C>T on the coding strand, the complement: DICER1 is on the minus strand). VCF-style: chr14-95113192-G-A. GRCh37 (hg19) VCF-style: chr14-95579529-G-A.
Other names: c.1940C>T (NM_177438.2); c.1940C>T, p.Thr647Ile (NM_001195573.1, NM_001271282.3, NM_001291628.2 and 1 more transcripts); short protein forms T647I.
Identifiers: ClinVar variation 1006488 (VCV001006488.11), dbSNP rs1238144220, ClinGen allele CA390883445.

ClinVar aggregate classification (germline): Uncertain significance. Review status: criteria provided, multiple submitters, no conflicts (2 of 4 stars). 2 submissions from 2 submitters: Uncertain significance (2). Last evaluated 2025-05-30.

Conditions:
DICER1-related tumor predisposition. Also called: DICER1 syndrome; DICER1-related pleuropulmonary blastoma cancer predisposition syndrome. Identifiers: Orphanet 284343, MedGen C3839822, MONDO:0100216.
Hereditary cancer-predisposing syndrome. Also called: Hereditary neoplastic syndrome; Neoplastic Syndromes, Hereditary; Tumor predisposition; Hereditary Cancer Syndrome. Identifiers: Orphanet 140162, MedGen C0027672, MeSH D009386, MONDO:0015356.

Submissions (2):

Ambry Genetics
Classification: Uncertain significance for Hereditary cancer-predisposing syndrome. Last evaluated: 2025-05-30. Review status: criteria provided, single submitter. Criteria: Ambry Variant Classification Scheme 2023. Collection method: clinical testing. Allele origin: germline.
Comment: The p.T647I variant (also known as c.1940C>T), located in coding exon 11 of the DICER1 gene, results from a C to T substitution at nucleotide position 1940. The threonine at codon 647 is replaced by isoleucine, an amino acid with similar properties. This amino acid position is highly conserved in available vertebrate species. In addition, this alteration is predicted to be deleterious by in silico analysis. Based on the available evidence, the clinical significance of this variant remains unclear.

Labcorp Genetics (formerly Invitae), Labcorp
Classification: Uncertain significance for DICER1-related tumor predisposition. Last evaluated: 2020-03-17. Review status: criteria provided, single submitter. Criteria: Invitae Variant Classification Sherloc (09022015). Collection method: clinical testing. Allele origin: germline.
Comment: This sequence change replaces threonine with isoleucine at codon 647 of the DICER1 protein (p.Thr647Ile). The threonine residue is highly conserved and there is a moderate physicochemical difference between threonine and isoleucine. This variant is not present in population databases (ExAC no frequency). This variant has not been reported in the literature in individuals with DICER1-related conditions. Algorithms developed to predict the effect of missense changes on protein structure and function (SIFT, PolyPhen-2, Align-GVGD) all suggest that this variant is likely to be disruptive, but these predictions have not been confirmed by published functional studies and their clinical significance is uncertain. In summary, the available evidence is currently insufficient to determine the role of this variant in disease. Therefore, it has been classified as a Variant of Uncertain Significance.